The following is an entry in ClinVar:

NM_000059.4(BRCA2):c.4148del (p.Asp1383fs)

Gene: BRCA2 (BRCA2 DNA repair associated; plus strand). Cytogenetic location: 13q13.1.
Variant type: Deletion.
Coding change: c.4148del on transcript NM_000059.4 (MANE Select); coding-DNA position 4148, one base deleted (A; older notation c.4148delA).
Protein change: p.Asp1383fs; shifts the reading frame from aspartic acid 1383.
Molecular consequence: frameshift variant. On other transcripts: non-coding transcript variant (1), intron variant (2).
Genome position (GRCh38, 1-based): chr13:32,338,503, A deleted. VCF-style (leftmost placement, unchanged base first): chr13-32338502-GA-G. GRCh37 (hg19) VCF-style: chr13-32912639-GA-G.
Other names: c.4148del, p.Asp1383fs (NM_001406719.1, NM_001406720.1, NM_001432077.1); c.1909+5116del (NM_001406721.1); c.425-6055del (NM_001406722.1); short protein forms D1383fs.
Identifiers: ClinVar variation 4294254 (VCV004294254.1).

ClinVar aggregate classification (germline): Pathogenic (1 of 4 stars; one submission).

Conditions:
Breast-ovarian cancer, familial, susceptibility to, 2 (BROVCA2). Also called: BRCA2 Hereditary Breast and Ovarian Cancer. Identifiers: Orphanet 145, MedGen C2675520, MONDO:0012933, OMIM 612555. Disease mechanism: loss of function.

Submission:

Myriad Genetics, Inc.
Classification: Pathogenic for Breast-ovarian cancer, familial, susceptibility to, 2. Last evaluated: 2025-08-13. Review status: criteria provided, single submitter. Criteria: Myriad Autosomal Dominant, Autosomal Recessive and X-Linked Classification Criteria (2023). Collection method: clinical testing. Allele origin: unknown.
Comment: This variant is considered pathogenic. This variant creates a frameshift predicted to result in premature protein truncation.